The following is an entry in ClinVar:

NC_000016.9:g.(?_2105393)_(2114438_?)del

Gene: TSC2 (TSC complex subunit 2; plus strand). Cytogenetic location: 16p13.3.
Variant type: Deletion.
Identifiers: ClinVar variation 3243457 (VCV003243457.1).

ClinVar aggregate classification (germline): Pathogenic (1 of 4 stars; one submission).

Conditions:
Tuberous sclerosis 2 (TSC2). Identifiers: Orphanet 805, MedGen C1860707, MONDO:0013199, OMIM 613254.

Submission:

Labcorp Genetics (formerly Invitae), Labcorp
Classification: Pathogenic for Tuberous sclerosis 2. Last evaluated: 2023-05-25. Review status: criteria provided, single submitter. Criteria: Invitae Variant Classification Sherloc (09022015). Collection method: clinical testing. Allele origin: unknown.
Comment: For these reasons, this variant has been classified as Pathogenic. This variant has not been reported in the literature in individuals affected with TSC2-related conditions. This variant is a gross deletion of the genomic region encompassing exon(s) 6-15 of the TSC2 gene. This deletion is out-of-frame, and is expected to create a premature termination codon and result in an absent or disrupted protein product. Loss-of-function variants in TSC2 are known to be pathogenic (PMID: 10205261, 17304050).

Literature cited by the submitters: PubMed 10205261; PubMed 17304050.